The following is an entry in ClinVar:

ClinVar aggregate classification (germline): Uncertain significance. Review status: criteria provided, multiple submitters, no conflicts (2 of 4 stars). 2 submissions from 2 submitters: Uncertain significance (2). Last evaluated 2026-01-14.

Conditions:
Hereditary cancer-predisposing syndrome. Also called: Neoplastic Syndromes, Hereditary; Hereditary Cancer Syndrome; Hereditary neoplastic syndrome; Tumor predisposition. Identifiers: Orphanet 140162, MedGen C0027672, MeSH D009386, MONDO:0015356.

Allele frequency attached by ClinVar (database versions not stated): TOPMed below 0.00001.
gnomAD v4.1: 1 of 1,610,880 alleles (0.000062%); highest among the groups gnomAD compares: Non-Finnish European, 0.000085%; no homozygotes.

Submissions (2):

Labcorp Genetics (formerly Invitae), Labcorp
Classification: Uncertain significance. Last evaluated: 2026-01-14. Review status: criteria provided, single submitter. Criteria: Invitae Variant Classification Sherloc (09022015). Collection method: clinical testing. Allele origin: germline.
Comment: This sequence change replaces glycine, which is neutral and non-polar, with glutamic acid, which is acidic and polar, at codon 1755 of the POLE protein (p.Gly1755Glu). This variant is not present in population databases (gnomAD no frequency). This variant has not been reported in the literature in individuals affected with POLE-related conditions. ClinVar contains an entry for this variant (Variation ID: 540777). Invitae Evidence Modeling of protein sequence and biophysical properties (such as structural, functional, and spatial information, amino acid conservation, physicochemical variation, residue mobility, and thermodynamic stability) indicates that this missense variant is not expected to disrupt POLE protein function with a negative predictive value of 80%. In summary, the available evidence is currently insufficient to determine the role of this variant in disease. Therefore, it has been classified as a Variant of Uncertain Significance.

Ambry Genetics
Classification: Uncertain significance for Hereditary cancer-predisposing syndrome. Last evaluated: 2024-03-24. Review status: criteria provided, single submitter. Criteria: Ambry Variant Classification Scheme 2023. Collection method: clinical testing. Allele origin: germline.
Comment: The p.G1755E variant (also known as c.5264G>A), located in coding exon 39 of the POLE gene, results from a G to A substitution at nucleotide position 5264. The glycine at codon 1755 is replaced by glutamic acid, an amino acid with similar properties. This amino acid position is conserved. In addition, this alteration is predicted to be tolerated by in silico analysis. Based on the available evidence, the clinical significance of this alteration remains unclear.

NM_006231.4(POLE):c.5264G>A (p.Gly1755Glu)

Gene: POLE (DNA polymerase epsilon, catalytic subunit; minus strand). Cytogenetic location: 12q24.33.
Variant type: single nucleotide variant.
Coding change: c.5264G>A on transcript NM_006231.4 (MANE Select); coding-DNA position 5264, G replaced by A.
Protein change: p.Gly1755Glu; replaces glycine 1755 with glutamic acid.
Molecular consequence: missense variant.
Genome position (GRCh38, 1-based): chr12:132,641,761, C>T on the plus strand (G>A on the coding strand, the complement: POLE is on the minus strand). VCF-style: chr12-132641761-C-T. GRCh37 (hg19) VCF-style: chr12-133218347-C-T.
Other names: c.5264G>A (NM_006231.2); short protein forms G1755E.
Identifiers: ClinVar variation 540777 (VCV000540777.8), dbSNP rs760235113, ClinGen allele CA387376257.
Genomic context (GRCh38, chr12:132,641,761, plus strand): 5'-GCCTGACCACCCGTGATCATGTCCTCCAGGGAGGCCTGCTGGATCACGTCGAAGCTGATC[C>T]CCATGCTGTCGGCCCCCTCCATGTCGTTGACATGGTGAGACTGGAGAATGGTGTTGACGG-3'
Protein context (NP_006222.2, residues 1745-1765): VNDMEGADSM[Gly1755Glu]ISFDVIQQAS